The following is an entry in ClinVar:

Conditions:
Long QT syndrome 5 (LQT5). Identifiers: Orphanet 101016, Orphanet 768, MedGen C1867904, MONDO:0013372, OMIM 613695.

Submission:

Roden Lab, Vanderbilt University Medical Center
No classification provided (evidence only). Condition: Long QT syndrome 5. Review status: no classification provided. Collection method: in vitro. Allele origin: not applicable. Functional consequence: Effect on ion channel function.
ClinVar note: "not provided" was previously submitted as the classification for the variant. However, the classification appeared to be based only on an observation of functional data so it was converted to no classification on 2025-07-30.

NM_000219.6(KCNE1):c.313T>A (p.Ser105Thr)

Gene: KCNE1 (potassium voltage-gated channel subfamily E regulatory subunit 1; minus strand). Cytogenetic location: 21q22.12.
Variant type: single nucleotide variant.
Coding change: c.313T>A on transcript NM_000219.6 (MANE Select); coding-DNA position 313, T replaced by A.
Protein change: p.Ser105Thr; replaces serine 105 with threonine.
Molecular consequence: missense variant.
Genome position (GRCh38, 1-based): chr21:34,449,322, A>T on the plus strand (T>A on the coding strand, the complement: KCNE1 is on the minus strand). VCF-style: chr21-34449322-A-T. GRCh37 (hg19) VCF-style: chr21-35821620-A-T.
Other names: c.313T>A, p.Ser105Thr (NM_001127668.4, NM_001127669.4, NM_001127670.4 and 4 more transcripts); short protein forms S105T.
Identifiers: ClinVar variation 3374609 (VCV003374609.2).